The following is an entry in ClinVar:

ClinVar aggregate classification (germline): Uncertain significance (1 of 4 stars; one submission).

Conditions:
Dyskeratosis congenita, autosomal dominant 1 (DKCA1). Also called: Dyskeratosis congenita Scoggins type. Identifiers: Orphanet 1775, MedGen C4551974, MONDO:0007485, OMIM 127550. Inheritance: Variable.

Submission:

Labcorp Genetics (formerly Invitae), Labcorp
Classification: Uncertain significance for Dyskeratosis congenita, autosomal dominant 1. Last evaluated: 2025-08-15. Review status: criteria provided, single submitter. Criteria: Invitae Variant Classification Sherloc (09022015). Collection method: clinical testing. Allele origin: germline.
Comment: This variant occurs in the TERC gene, which encodes an RNA molecule that does not result in a protein product. This variant is not present in population databases (gnomAD no frequency). This variant has not been reported in the literature in individuals affected with TERC-related conditions. ClinVar contains an entry for this variant (Variation ID: 2146368). This variant is located at the 5’ end of the TERC RNA component (PMID: 15082312, 21844345). The functional significance of this region is not well understood. In summary, the available evidence is currently insufficient to determine the role of this variant in disease. Therefore, it has been classified as a Variant of Uncertain Significance.

Literature cited by the submitters: PubMed 15082312; PubMed 21844345.

NC_000003.12:g.169765035C>A

Genes: TERC (telomerase RNA component; minus strand), LOC110806306 (telomerase RNA component (TERC) promoter; plus strand). Cytogenetic location: 3q26.2.
Variant type: single nucleotide variant.
Genome position: GRCh38 VCF-style: chr3-169765035-C-A. GRCh37 (hg19) VCF-style: chr3-169482823-C-A.
Identifiers: ClinVar variation 2146368 (VCV002146368.4), dbSNP rs1777965400, ClinGen allele CA436716013.